The following is an entry in ClinVar:

ClinVar aggregate classification (germline): Pathogenic (1 of 4 stars; one submission).

Submission:

Labcorp Genetics (formerly Invitae), Labcorp
Classification: Pathogenic. Last evaluated: 2021-07-13. Review status: criteria provided, single submitter. Criteria: Invitae Variant Classification Sherloc (09022015). Collection method: clinical testing. Allele origin: germline.
Comment: This variant has not been reported in the literature in individuals affected with PPOX-related conditions. This variant is not present in population databases (ExAC no frequency). This sequence change creates a premature translational stop signal (p.Glu133Glyfs*4) in the PPOX gene. It is expected to result in an absent or disrupted protein product. Loss-of-function variants in PPOX are known to be pathogenic (PMID: 10486317). For these reasons, this variant has been classified as Pathogenic.

Literature cited by the submitters: PubMed 10486317.

NM_001122764.3(PPOX):c.384_397dup (p.Glu133delinsGlyLeuGlyTer)

Gene: PPOX (protoporphyrinogen oxidase; plus strand). Cytogenetic location: 1q23.3.
Variant type: Duplication.
Coding change: c.384_397dup on transcript NM_001122764.3 (MANE Select); coding-DNA positions 384 to 397, 14 bases duplicated (GGCTGGGCTGAGGG).
Protein change: p.Glu133delinsGlyLeuGlyTer.
Molecular consequence: nonsense. On other transcripts: 5 prime UTR variant (4), intron variant (2).
Genome position (GRCh38, 1-based): chr1:161,168,040-161,168,053, GGCTGGGCTGAGGG duplicated; duplicating any 14 consecutive bases within chr1:161,168,039-161,168,053 gives the same sequence; the c. name uses the placement nearest the transcript's 3' end. VCF-style (leftmost placement, unchanged base first): chr1-161168038-T-TGGGCTGGGCTGAGG. GRCh37 (hg19) VCF-style: chr1-161137828-T-TGGGCTGGGCTGAGG.
Other names: c.384_397dup, p.Glu133delinsGlyLeuGlyTer (NM_000309.5, NM_001365398.1, NM_001365399.1); c.-44_-31dup (NM_001350129.2, NM_001365400.1); c.-103_-90dup (NM_001350130.2, NM_001365401.1); c.354-373_354-360dup (NM_001350128.2); c.-34-373_-34-360dup (NM_001350131.2).
Identifiers: ClinVar variation 1454341 (VCV001454341.6), dbSNP rs2101863458, ClinGen allele CA2573130571.